The following is an entry in ClinVar:

ClinVar aggregate classification (germline): Uncertain significance (1 of 4 stars; one submission).

Submission:

Ambry Genetics
Classification: Uncertain significance. Last evaluated: 2021-09-23. Review status: criteria provided, single submitter. Criteria: Ambry Variant Classification Scheme 2023. Collection method: clinical testing. Allele origin: germline.
Comment: The p.D357E variant (also known as c.1071T>G), located in coding exon 3 of the TERF2IP gene, results from a T to G substitution at nucleotide position 1071. The aspartic acid at codon 357 is replaced by glutamic acid, an amino acid with highly similar properties. This amino acid position is conserved. In addition, this alteration is predicted to be tolerated by in silico analysis. Since supporting evidence is limited at this time, the clinical significance of this alteration remains unclear.

NM_018975.4(TERF2IP):c.1071T>G (p.Asp357Glu)

Gene: TERF2IP (TERF2 interacting protein; plus strand). Cytogenetic location: 16q23.1.
Variant type: single nucleotide variant.
Coding change: c.1071T>G on transcript NM_018975.4 (MANE Select); coding-DNA position 1071, T replaced by G.
Protein change: p.Asp357Glu; replaces aspartic acid 357 with glutamic acid.
Molecular consequence: missense variant. On other transcripts: non-coding transcript variant (1).
Genome position (GRCh38, 1-based): chr16:75,656,482, T>G. VCF-style: chr16-75656482-T-G. GRCh37 (hg19) VCF-style: chr16-75690380-T-G.
Other names: short protein forms D357E.
Identifiers: ClinVar variation 1783735 (VCV001783735.2), dbSNP rs2082387451, ClinGen allele CA396820200.